The following is an entry in ClinVar:

ClinVar aggregate classification (germline): Likely benign (1 of 4 stars; one submission).

gnomAD v4.1: 6 of 1,040,963 alleles (0.00058%); highest among the groups gnomAD compares: African/African-American, 0.0039%; no homozygotes.

Submission:

CeGaT Center for Human Genetics Tuebingen
Classification: Likely benign. Last evaluated: 2025-07-01. Review status: criteria provided, single submitter. Criteria: CeGaT Center For Human Genetics Tuebingen Variant Classification Criteria Version 2. Collection method: clinical testing. Allele origin: germline. Affected: yes. Observed: 1 variant allele.
Comment: GPR143: BP4, BP7

NM_000273.3(GPR143):c.216C>T (p.Arg72=)

Gene: GPR143 (G protein-coupled receptor 143; minus strand). Cytogenetic location: Xp22.2.
Variant type: single nucleotide variant.
Coding change: c.216C>T on transcript NM_000273.3 (MANE Select); coding-DNA position 216, C replaced by T.
Protein change: p.Arg72=; no amino-acid change (arginine 72 retained).
Molecular consequence: synonymous variant.
Genome position (GRCh38, 1-based): chrX:9,765,602, G>A on the plus strand (C>T on the coding strand, the complement: GPR143 is on the minus strand). VCF-style: chrX-9765602-G-A. GRCh37 (hg19) VCF-style: chrX-9733642-G-A.
Other names: c.216C>T, p.Arg72= (NM_001440781.1).
Identifiers: ClinVar variation 4084875 (VCV004084875.8).